The following is an entry in ClinVar:

ClinVar aggregate classification (germline): no classifications from unflagged records (0 of 4 stars; one submission).

Conditions:
Ciliary dyskinesia, primary, 50 (CILD50). Identifiers: MedGen C5830473, MONDO:0957252, OMIM 620356.

Allele frequency attached by ClinVar (database versions not stated): gnomAD exomes below 0.00001; TOPMed below 0.00001.
gnomAD v4.1: 1 of 1,614,210 alleles (0.000062%); highest among the groups gnomAD compares: East Asian, 0.0022%; no homozygotes.

Submission:

OMIM
Classification: Pathogenic for CILIARY DYSKINESIA, PRIMARY, 50. Last evaluated: 2023-04-28. Review status: flagged submission. Collection method: literature only. Allele origin: germline.
ClinVar note: Notes: Flagging candidate with reason of insufficient supporting evidence. This gene has been classified as having a limited gene-disease relationship by a ClinGen Expert Panel.
ClinVar note: Reason: P/LP classification for a variant in a gene with insufficient evidence for a gene-disease relationship

Literature cited by the submitters: PubMed 34476482.

NM_018897.3(DNAH7):c.10601A>G (p.Gln3534Arg)

Gene: DNAH7 (dynein axonemal heavy chain 7; minus strand). Cytogenetic location: 2q32.3.
Variant type: single nucleotide variant.
Coding change: c.10601A>G on transcript NM_018897.3 (MANE Select); coding-DNA position 10601, A replaced by G.
Protein change: p.Gln3534Arg; replaces glutamine 3534 with arginine.
Molecular consequence: missense variant.
Genome position (GRCh38, 1-based): chr2:195,794,453, T>C on the plus strand (A>G on the coding strand, the complement: DNAH7 is on the minus strand). VCF-style: chr2-195794453-T-C. GRCh37 (hg19) VCF-style: chr2-196659177-T-C.
Other names: short protein forms Q3534R.
Identifiers: ClinVar variation 2500172 (VCV002500172.1), dbSNP rs1696041485, ClinGen allele CA349936811.